The following is an entry in ClinVar:

NM_021815.5(SLC5A7):c.1114-10T>C

Gene: SLC5A7 (solute carrier family 5 member 7; plus strand). Cytogenetic location: 2q12.3.
Variant type: single nucleotide variant.
Coding change: c.1114-10T>C on transcript NM_021815.5 (MANE Select); 10 bases into the intron before coding-DNA position 1114, T replaced by C.
Molecular consequence: intron variant.
Genome position (GRCh38, 1-based): chr2:108,010,222, T>C. VCF-style: chr2-108010222-T-C. GRCh37 (hg19) VCF-style: chr2-108626678-T-C.
Other names: c.373-10T>C (NM_001305007.3); c.1114-10T>C (NM_001305005.3); c.799-10T>C (NM_001305006.3).
Identifiers: ClinVar variation 1964728 (VCV001964728.5), dbSNP rs771374406, ClinGen allele CA1819133.

ClinVar aggregate classification (germline): Uncertain significance (1 of 4 stars; one submission).

Conditions:
Neuronopathy, distal hereditary motor, type 7A. Also called: NEURONOPATHY, DISTAL HEREDITARY MOTOR, HARDING TYPE VIIA; NEUROPATHY, DISTAL HEREDITARY MOTOR, HARDING TYPE VIIA; Neuronopathy, distal hereditary motor, autosomal dominant 7; HARPER-YOUNG MYOPATHY; HMN VIIA; SPINAL MUSCULAR ATROPHY, DISTAL, WITH VOCAL CORD PARALYSIS. Identifiers: Orphanet 139589, MedGen C1834703, MONDO:0008024, OMIM 158580.
Congenital myasthenic syndrome 20. Also called: Myasthenic syndrome, congenital, 20, presynaptic. Identifiers: MedGen C4310694, MONDO:0014939, OMIM 617143.

Allele frequency attached by ClinVar (database versions not stated): TOPMed 0.00002; ExAC 0.00002; gnomAD exomes 0.00001; gnomAD 0.00001.
gnomAD v4.1: 14 of 1,607,664 alleles (0.00087%); highest among the groups gnomAD compares: African/African-American, 0.0013%; no homozygotes.

Submission:

Labcorp Genetics (formerly Invitae), Labcorp
Classification: Uncertain significance for Neuronopathy, distal hereditary motor, type 7A; Congenital myasthenic syndrome 20. Last evaluated: 2025-02-07. Review status: criteria provided, single submitter. Criteria: Invitae Variant Classification Sherloc (09022015). Collection method: clinical testing. Allele origin: germline.
Comment: This sequence change falls in intron 8 of the SLC5A7 gene. It does not directly change the encoded amino acid sequence of the SLC5A7 protein. This variant is present in population databases (rs771374406, gnomAD 0.004%). This variant has not been reported in the literature in individuals affected with SLC5A7-related conditions. ClinVar contains an entry for this variant (Variation ID: 1964728). Algorithms developed to predict the effect of sequence changes on RNA splicing suggest that this variant may disrupt the consensus splice site. In summary, the available evidence is currently insufficient to determine the role of this variant in disease. Therefore, it has been classified as a Variant of Uncertain Significance.